The following is an entry in ClinVar:

NM_004525.3(LRP2):c.13380G>C (p.Lys4460Asn)

Gene: LRP2 (LDL receptor related protein 2; minus strand). Cytogenetic location: 2q31.1.
Variant type: single nucleotide variant.
Coding change: c.13380G>C on transcript NM_004525.3 (MANE Select); coding-DNA position 13380, G replaced by C.
Protein change: p.Lys4460Asn; replaces lysine 4460 with asparagine.
Molecular consequence: missense variant.
Genome position (GRCh38, 1-based): chr2:169,139,259, C>G on the plus strand (G>C on the coding strand, the complement: LRP2 is on the minus strand). VCF-style: chr2-169139259-C-G. GRCh37 (hg19) VCF-style: chr2-169995769-C-G.
Other names: short protein forms K4460N.
Identifiers: ClinVar variation 332073 (VCV000332073.8), dbSNP rs769261622, ClinGen allele CA1952562.
Genomic context (GRCh38, chr2:169,139,259, plus strand): 5'-CATATGAATTTCTTAGGCTTCAAACATCAACGTTCCCCATAATGAAACTGACCTTGGCAG[C>G]TTGGGCAGAGCAGGCAAAAGGGAGCCGGTCCTTCTATAGTGGAAGAATCCTGCAATTGCC-3'
Protein context (NP_004516.2, residues 4450-4470): RTGSLLPALP[Lys4460Asn]LPSLSSLVKP

ClinVar aggregate classification (germline): Uncertain significance. Review status: criteria provided, multiple submitters, no conflicts (2 of 4 stars). 3 submissions from 3 submitters: Uncertain significance (3). Last evaluated 2022-07-09.

Conditions:
Donnai-Barrow syndrome. Also called: DBS/FOAR SYNDROME; FACIOOCULOACOUSTICORENAL SYNDROME. Identifiers: Orphanet 2143, MedGen C1857277, MONDO:0009104, OMIM 222448.

Allele frequency attached by ClinVar (database versions not stated): gnomAD 0.00001; TOPMed 0.00001; ExAC 0.00002; gnomAD exomes 0.00002.
gnomAD v4.1: 68 of 1,614,054 alleles (0.0042%); highest among the groups gnomAD compares: Non-Finnish European, 0.0056%; no homozygotes.

Submissions (3):

Labcorp Genetics (formerly Invitae), Labcorp
Classification: Uncertain significance. Last evaluated: 2022-07-09. Review status: criteria provided, single submitter. Criteria: Invitae Variant Classification Sherloc (09022015). Collection method: clinical testing. Allele origin: germline.
Comment: This sequence change replaces lysine, which is basic and polar, with asparagine, which is neutral and polar, at codon 4460 of the LRP2 protein (p.Lys4460Asn). This variant is present in population databases (rs769261622, gnomAD 0.004%). This variant has not been reported in the literature in individuals affected with LRP2-related conditions. ClinVar contains an entry for this variant (Variation ID: 332073). Advanced modeling of protein sequence and biophysical properties (such as structural, functional, and spatial information, amino acid conservation, physicochemical variation, residue mobility, and thermodynamic stability) performed at Invitae indicates that this missense variant is not expected to disrupt LRP2 protein function. In summary, the available evidence is currently insufficient to determine the role of this variant in disease. Therefore, it has been classified as a Variant of Uncertain Significance.

Department of Pathology and Laboratory Medicine, Sinai Health System
Classification: Uncertain significance for Donnai-Barrow syndrome. Last evaluated: 2021-07-30. Review status: criteria provided, single submitter. Criteria: ACMG Guidelines, 2015. Collection method: research. Allele origin: germline.

Illumina Laboratory Services, Illumina
Classification: Uncertain significance for Donnai-Barrow syndrome. Last evaluated: 2018-01-12. Review status: criteria provided, single submitter. Criteria: ICSL Variant Classification Criteria 13 December 2019. Collection method: clinical testing. Allele origin: germline.